The following is an entry in ClinVar:

ClinVar aggregate classification (germline): Likely pathogenic (1 of 4 stars; one submission).

Conditions:
Kleefstra syndrome 2 (KLEFS2). Identifiers: MedGen C4540395, MONDO:0054701, OMIM 617768.

Submission:

3billion
Classification: Likely pathogenic for Kleefstra syndrome 2. Last evaluated: 2025-07-06. Review status: criteria provided, single submitter. Criteria: ACMG Guidelines, 2015. Collection method: clinical testing. Allele origin: germline. Affected: yes.
Comment: The variant is not observed in the gnomAD v4.1.0 dataset. Predicted Consequence/Location: Frameshift: predicted to result in a loss or disruption of normal protein function through nonsense-mediated decay (NMD) or protein truncation. Multiple pathogenic variants are reported downstream of the variant. Therefore, this variant is classified as Likely pathogenic according to the recommendation of ACMG/AMP guideline.

NM_170606.3(KMT2C):c.2968del (p.Ser990fs)

Gene: KMT2C (lysine methyltransferase 2C; minus strand). Cytogenetic location: 7q36.1.
Variant type: Deletion.
Coding change: c.2968del on transcript NM_170606.3 (MANE Select); coding-DNA position 2968, one base deleted (A; older notation c.2968delA).
Protein change: p.Ser990fs; shifts the reading frame from serine 990.
Molecular consequence: frameshift variant.
Genome position (GRCh38, 1-based): chr7:152,229,931, T deleted on the plus strand (A on the coding strand, the reverse complement: KMT2C is on the minus strand). VCF-style (leftmost placement, unchanged base first): chr7-152229930-CT-C. GRCh37 (hg19) VCF-style: chr7-151927015-CT-C.
Other names: short protein forms S990fs.
Identifiers: ClinVar variation 4854378 (VCV004854378.1).